The following is an entry in ClinVar:

ClinVar aggregate classification (germline): Uncertain significance (1 of 4 stars; one submission).

Conditions:
Cystic fibrosis (CF). Also called: MUCOVISCIDOSIS. Identifiers: Orphanet 586, MedGen C0010674, MONDO:0009061, OMIM 219700. Disease mechanism: loss of function.

Submission:

Johns Hopkins Genomics, Johns Hopkins University
Classification: Uncertain significance for Cystic fibrosis. Last evaluated: 2021-11-11. Review status: criteria provided, single submitter. Criteria: ACMG Guidelines, 2015. Collection method: clinical testing. Allele origin: germline.
Comment: This CFTR variant is absent from a large population dataset and has not been reported in ClinVar nor the literature, to our knowledge. This intronic deletion is predicted to significantly decrease the strength of the native exon 9 (legacy exon 10) splice acceptor site, although this has not been confirmed experimentally to our knowledge. We consider the clinical significance of c.1117-220_1117-4del to be uncertain at this time.

NM_000492.4(CFTR):c.1117-220_1117-4del

Gene: CFTR (CF transmembrane conductance regulator; plus strand). Cytogenetic location: 7q31.2.
Variant type: Deletion.
Coding change: c.1117-220_1117-4del on transcript NM_000492.4 (MANE Select); 220 bases into the intron before coding-DNA position 1117 through 4 bases into the intron before coding-DNA position 1117, 217 bases deleted.
Molecular consequence: intron variant.
Genome position (GRCh38, 1-based): chr7:117,541,796-117,542,012, 217 bases deleted. GRCh37 (hg19): chr7:117,181,850-117,182,066.
Identifiers: ClinVar variation 1331706 (VCV001331706.1), dbSNP rs2115881246, ClinGen allele CA2573052802.